The following is an entry in ClinVar:

ClinVar aggregate classification (germline): Pathogenic (1 of 4 stars; one submission).

Conditions:
GM1 gangliosidosis. Identifiers: Orphanet 354, MedGen C0085131, MONDO:0018149.
Mucopolysaccharidosis, MPS-IV-B (MPS4B). Also called: MORQUIO SYNDROME B; Mucopolysaccharidosis type IVB (Morquio); MPS IVB; Mucopolysaccharidosis type IV B; Mucopolysaccharidosis Type IVB; Mucopolysaccharidosis type 4B. Identifiers: Orphanet 309310, Orphanet 582, MedGen C0086652, MONDO:0009660, OMIM 253010.

Submission:

Labcorp Genetics (formerly Invitae), Labcorp
Classification: Pathogenic for Mucopolysaccharidosis, MPS-IV-B; GM1 gangliosidosis. Last evaluated: 2025-09-23. Review status: criteria provided, single submitter. Criteria: Invitae Variant Classification Sherloc (09022015). Collection method: clinical testing. Allele origin: germline.
Comment: This sequence change creates a premature translational stop signal (p.Leu24Alafs*46) in the GLB1 gene. It is expected to result in an absent or disrupted protein product. Loss-of-function variants in GLB1 are known to be pathogenic (PMID: 18524657). This variant is not present in population databases (gnomAD no frequency). This variant has not been reported in the literature in individuals affected with GLB1-related conditions. For these reasons, this variant has been classified as Pathogenic.

Literature cited by the submitters: PubMed 18524657.

NM_000404.4(GLB1):c.70_73del (p.Leu24fs)

Genes: GLB1 (galactosidase beta 1; minus strand), TMPPE (transmembrane protein with metallophosphoesterase domain; minus strand), LOC129936434 (ATAC-STARR-seq lymphoblastoid silent region 14182; plus strand). Cytogenetic location: 3p22.3.
Variant type: Deletion.
Coding change: c.70_73del on transcript NM_000404.4 (MANE Select); coding-DNA positions 70 to 73, 4 bases deleted (TTGC; older notation c.70_73delTTGC).
Protein change: p.Leu24fs; shifts the reading frame from leucine 24.
Molecular consequence: frameshift variant. On other transcripts: 5 prime UTR variant (2).
Genome position (GRCh38, 1-based): chr3:33,097,013-33,097,016, GCAA deleted on the plus strand (TTGC on the coding strand, the reverse complement: GLB1 is on the minus strand); deleting any 4 consecutive bases within chr3:33,097,013-33,097,018 gives the same sequence; the c. name uses the placement nearest the transcript's 3' end. VCF-style (leftmost placement, unchanged base first): chr3-33097012-CGCAA-C. GRCh37 (hg19) VCF-style: chr3-33138504-CGCAA-C.
Other names: c.70_73del, p.Leu24fs (NM_001135602.3, NM_001317040.2, NM_001393580.1); c.-406_-403del (NM_001039770.3); c.-302_-299del (NM_001136238.2); short protein forms L24fs.
Identifiers: ClinVar variation 4792851 (VCV004792851.1).